The following is an entry in ClinVar:

ClinVar aggregate classification (germline): Uncertain significance (1 of 4 stars; one submission).

Conditions:
Fanconi anemia (FA). Also called: Fanconi's anemia. Identifiers: Orphanet 84, MedGen C0015625, MeSH D005199, MONDO:0019391.

Submission:

Labcorp Genetics (formerly Invitae), Labcorp
Classification: Uncertain significance for Fanconi anemia. Last evaluated: 2020-11-07. Review status: criteria provided, single submitter. Criteria: Invitae Variant Classification Sherloc (09022015). Collection method: clinical testing. Allele origin: germline.
Comment: This sequence change falls in intron 8 of the FANCC gene. It does not directly change the encoded amino acid sequence of the FANCC protein. In summary, the available evidence is currently insufficient to determine the role of this variant in disease. Therefore, it has been classified as a Variant of Uncertain Significance. Algorithms developed to predict the effect of sequence changes on RNA splicing suggest that this variant may disrupt the consensus splice site, but this prediction has not been confirmed by published transcriptional studies. This variant has not been reported in the literature in individuals with FANCC-related conditions. This variant is not present in population databases (ExAC no frequency).

NM_000136.3(FANCC):c.844-6T>G

Genes: AOPEP (aminopeptidase O (putative); plus strand), FANCC (FA complementation group C; minus strand). Cytogenetic location: 9q22.32.
Variant type: single nucleotide variant.
Coding change: c.844-6T>G on transcript NM_000136.3 (MANE Select); 6 bases into the intron before coding-DNA position 844, T replaced by G.
Molecular consequence: intron variant.
Genome position (GRCh38, 1-based): chr9:95,126,587, A>C on the plus strand (T>G on the coding strand, the complement: FANCC is on the minus strand). VCF-style: chr9-95126587-A-C. GRCh37 (hg19) VCF-style: chr9-97888869-A-C.
Other names: c.844-6T>G (NM_001243743.2, NM_001243744.2).
Identifiers: ClinVar variation 1499682 (VCV001499682.8), dbSNP rs1417324884, ClinGen allele CA2573144815.